The following is an entry in ClinVar:

NM_003036.4(SKI):c.220C>G (p.Leu74Val)

Gene: SKI (SKI proto-oncogene; plus strand). Cytogenetic location: 1p36.33.
Variant type: single nucleotide variant.
Coding change: c.220C>G on transcript NM_003036.4 (MANE Select); coding-DNA position 220, C replaced by G.
Protein change: p.Leu74Val; replaces leucine 74 with valine.
Molecular consequence: missense variant.
Genome position (GRCh38, 1-based): chr1:2,228,986, C>G. VCF-style: chr1-2228986-C-G. GRCh37 (hg19) VCF-style: chr1-2160425-C-G.
Other names: c.220C>G (NM_003036.3); short protein forms L74V.
Identifiers: ClinVar variation 2919358 (VCV002919358.4), dbSNP rs2527576517, ClinGen allele CA337952338.

ClinVar aggregate classification (germline): Uncertain significance. Review status: criteria provided, multiple submitters, no conflicts (2 of 4 stars). 2 submissions from 2 submitters: Uncertain significance (2). Last evaluated 2024-06-09.

Conditions:
Shprintzen-Goldberg syndrome (SGS). Also called: SHPRINTZEN-GOLDBERG CRANIOSYNOSTOSIS SYNDROME; CRANIOSYNOSTOSIS WITH ARACHNODACTYLY AND ABDOMINAL HERNIAS; Marfanoid disorder with craniosynostosis type 1; Marfanoid craniosynostosis syndrome; Shprintzen-Goldberg marfanoid syndrome. Identifiers: Orphanet 2462, MedGen C1321551, MONDO:0008426, OMIM 182212.
Familial thoracic aortic aneurysm and aortic dissection (TAAD). Also called: Thoracic aortic aneurysms and dissections. Identifiers: Orphanet 91387, MedGen C4707243, MONDO:0019625.

Submissions (2):

Ambry Genetics
Classification: Uncertain significance for Familial thoracic aortic aneurysm and aortic dissection. Last evaluated: 2024-06-09. Review status: criteria provided, single submitter. Criteria: Ambry Variant Classification Scheme 2023. Collection method: clinical testing. Allele origin: germline.
Comment: The p.L74V variant (also known as c.220C>G), located in coding exon 1 of the SKI gene, results from a C to G substitution at nucleotide position 220. The leucine at codon 74 is replaced by valine, an amino acid with highly similar properties. This amino acid position is conserved. In addition, this alteration is predicted to be tolerated by in silico analysis. Based on the available evidence, the clinical significance of this variant remains unclear.

Labcorp Genetics (formerly Invitae), Labcorp
Classification: Uncertain significance for Shprintzen-Goldberg syndrome. Last evaluated: 2024-01-31. Review status: criteria provided, single submitter. Criteria: Invitae Variant Classification Sherloc (09022015). Collection method: clinical testing. Allele origin: germline.
Comment: This sequence change replaces leucine, which is neutral and non-polar, with valine, which is neutral and non-polar, at codon 74 of the SKI protein (p.Leu74Val). This variant is not present in population databases (gnomAD no frequency). This variant has not been reported in the literature in individuals affected with SKI-related conditions. Advanced modeling of protein sequence and biophysical properties (such as structural, functional, and spatial information, amino acid conservation, physicochemical variation, residue mobility, and thermodynamic stability) performed at Invitae indicates that this missense variant is not expected to disrupt SKI protein function with a negative predictive value of 95%. In summary, the available evidence is currently insufficient to determine the role of this variant in disease. Therefore, it has been classified as a Variant of Uncertain Significance.